The following is an entry in ClinVar:

NM_001199397.3(NEK1):c.1843A>G (p.Asn615Asp)

Gene: NEK1 (NIMA related kinase 1; minus strand). Cytogenetic location: 4q33.
Variant type: single nucleotide variant.
Coding change: c.1843A>G on transcript NM_001199397.3 (MANE Select); coding-DNA position 1843, A replaced by G.
Protein change: p.Asn615Asp; replaces asparagine 615 with aspartic acid.
Molecular consequence: missense variant. On other transcripts: non-coding transcript variant (1).
Genome position (GRCh38, 1-based): chr4:169,507,783, T>C on the plus strand (A>G on the coding strand, the complement: NEK1 is on the minus strand). VCF-style: chr4-169507783-T-C. GRCh37 (hg19) VCF-style: chr4-170428934-T-C.
Other names: c.1711A>G, p.Asn571Asp (NM_001199398.3); c.1552A>G, p.Asn518Asp (NM_001199399.3); c.1627A>G, p.Asn543Asp (NM_001199400.3); c.1843A>G, p.Asn615Asp (NM_001374418.1); c.1759A>G, p.Asn587Asp (NM_001374419.1, NM_012224.4); c.1708A>G, p.Asn570Asp (NM_001374420.1); c.1633A>G, p.Asn545Asp (NM_001374421.1); short protein forms N545D, N518D, N570D, N571D, N587D, N615D, N543D.
Identifiers: ClinVar variation 2132932 (VCV002132932.4), dbSNP rs778591595, ClinGen allele CA3137602.

ClinVar aggregate classification (germline): Uncertain significance (1 of 4 stars; one submission).

Conditions:
Short-rib thoracic dysplasia 6 with or without polydactyly (SRTD6). Also called: POLYDACTYLY WITH NEONATAL CHONDRODYSTROPHY, TYPE II; SHORT RIB-POLYDACTYLY SYNDROME, TYPE IIA; Majewski Syndrome; SHORT-RIB THORACIC DYSPLASIA 6 WITH POLYDACTYLY; SHORT-RIB THORACIC DYSPLASIA 6 WITHOUT POLYDACTYLY. Identifiers: MedGen C0024507, MONDO:0009894, OMIM 263520.

Allele frequency attached by ClinVar (database versions not stated): ExAC 0.00001.
gnomAD v4.1: 2 of 1,612,534 alleles (0.00012%); highest among the groups gnomAD compares: Admixed American, 0.0017%; no homozygotes.

Submission:

Labcorp Genetics (formerly Invitae), Labcorp
Classification: Uncertain significance for Short-rib thoracic dysplasia 6 with or without polydactyly. Last evaluated: 2022-07-11. Review status: criteria provided, single submitter. Criteria: Invitae Variant Classification Sherloc (09022015). Collection method: clinical testing. Allele origin: germline.
Comment: In summary, the available evidence is currently insufficient to determine the role of this variant in disease. Therefore, it has been classified as a Variant of Uncertain Significance. Advanced modeling of protein sequence and biophysical properties (such as structural, functional, and spatial information, amino acid conservation, physicochemical variation, residue mobility, and thermodynamic stability) performed at Invitae indicates that this missense variant is not expected to disrupt NEK1 protein function. This variant has not been reported in the literature in individuals affected with NEK1-related conditions. This variant is present in population databases (rs778591595, gnomAD 0.003%). This sequence change replaces asparagine, which is neutral and polar, with aspartic acid, which is acidic and polar, at codon 587 of the NEK1 protein (p.Asn587Asp).